The following is an entry in ClinVar:

ClinVar aggregate classification (germline): Uncertain significance. Review status: criteria provided, multiple submitters, no conflicts (2 of 4 stars). 2 submissions from 2 submitters: Uncertain significance (2). Last evaluated 2023-12-27.

Conditions:
Developmental and epileptic encephalopathy, 23 (DEE23). Also called: Epileptic encephalopathy, early infantile, 23. Identifiers: Orphanet 411986, MedGen C4014492, MONDO:0014371, OMIM 615859.
Inborn genetic diseases. Identifiers: MedGen C0950123, MeSH D030342.

Allele frequency attached by ClinVar (database versions not stated): gnomAD 0.00001; gnomAD exomes below 0.00001.
gnomAD v4.1: 4 of 1,613,890 alleles (0.00025%); highest among the groups gnomAD compares: Non-Finnish European, 0.00034%; no homozygotes.

Submissions (2):

Ambry Genetics
Classification: Uncertain significance for Inborn genetic diseases. Last evaluated: 2023-12-27. Review status: criteria provided, single submitter. Criteria: Ambry Variant Classification Scheme 2023. Collection method: clinical testing. Allele origin: germline.

Labcorp Genetics (formerly Invitae), Labcorp
Classification: Uncertain significance for Developmental and epileptic encephalopathy, 23. Last evaluated: 2021-08-30. Review status: criteria provided, single submitter. Criteria: Invitae Variant Classification Sherloc (09022015). Collection method: clinical testing. Allele origin: germline.
Comment: This sequence change replaces leucine with phenylalanine at codon 1329 of the DOCK7 protein (p.Leu1329Phe). The leucine residue is highly conserved and there is a small physicochemical difference between leucine and phenylalanine. This variant is not present in population databases (ExAC no frequency). This variant has not been reported in the literature in individuals affected with DOCK7-related conditions. Algorithms developed to predict the effect of missense changes on protein structure and function are either unavailable or do not agree on the potential impact of this missense change (SIFT: "Deleterious"; PolyPhen-2: "Probably Damaging"; Align-GVGD: "Class C0"). In summary, the available evidence is currently insufficient to determine the role of this variant in disease. Therefore, it has been classified as a Variant of Uncertain Significance.

NM_001367561.1(DOCK7):c.3987G>C (p.Leu1329Phe)

Gene: DOCK7 (dedicator of cytokinesis 7; minus strand). Cytogenetic location: 1p31.3.
Variant type: single nucleotide variant.
Coding change: c.3987G>C on transcript NM_001367561.1 (MANE Select); coding-DNA position 3987, G replaced by C.
Protein change: p.Leu1329Phe; replaces leucine 1329 with phenylalanine.
Molecular consequence: missense variant.
Genome position (GRCh38, 1-based): chr1:62,513,848, C>G on the plus strand (G>C on the coding strand, the complement: DOCK7 is on the minus strand). VCF-style: chr1-62513848-C-G. GRCh37 (hg19) VCF-style: chr1-62979519-C-G.
Other names: c.3987G>C, p.Leu1329Phe (NM_001271999.2, NM_001330614.2); c.3894G>C, p.Leu1298Phe (NM_001272000.2, NM_001272001.2, NM_033407.4); c.3894G>C (NM_033407.2); short protein forms L1298F, L1329F.
Identifiers: ClinVar variation 1351972 (VCV001351972.6), dbSNP rs548738674, ClinGen allele CA23783765.